The following is an entry in ClinVar:

ClinVar aggregate classification (germline): Likely benign. Review status: criteria provided, multiple submitters, no conflicts (2 of 4 stars). 2 submissions from 2 submitters: Likely benign (2). Last evaluated 2026-01-21.

Allele frequency attached by ClinVar (database versions not stated): ExAC 0.00001; gnomAD exomes 0.00001; TOPMed 0.00001; gnomAD 0.00002; ESP Exome Variant Server 0.00008.
gnomAD v4.1: 24 of 1,612,918 alleles (0.0015%); highest among the groups gnomAD compares: Admixed American, 0.0033%; no homozygotes.

Submissions (2):

Labcorp Genetics (formerly Invitae), Labcorp
Classification: Likely benign. Last evaluated: 2026-01-21. Review status: criteria provided, single submitter. Criteria: Invitae Variant Classification Sherloc (09022015). Collection method: clinical testing. Allele origin: germline.

CeGaT Center for Human Genetics Tuebingen
Classification: Likely benign. Last evaluated: 2024-10-01. Review status: criteria provided, single submitter. Criteria: CeGaT Center For Human Genetics Tuebingen Variant Classification Criteria Version 2. Collection method: clinical testing. Allele origin: germline. Affected: yes. Observed: 1 variant allele.
Comment: CACNA1B: BP4, BP7

NM_000718.4(CACNA1B):c.5274G>A (p.Pro1758=)

Gene: CACNA1B (calcium voltage-gated channel subunit alpha1 B; plus strand). Cytogenetic location: 9q34.3.
Variant type: single nucleotide variant.
Coding change: c.5274G>A on transcript NM_000718.4 (MANE Select); coding-DNA position 5274, G replaced by A.
Protein change: p.Pro1758=; no amino-acid change (proline 1758 retained).
Molecular consequence: synonymous variant.
Genome position (GRCh38, 1-based): chr9:138,102,762, G>A. VCF-style: chr9-138102762-G-A. GRCh37 (hg19) VCF-style: chr9-140997214-G-A.
Other names: c.5274G>A, p.Pro1758= (NM_001243812.2).
Identifiers: ClinVar variation 1917086 (VCV001917086.19), dbSNP rs368307029, ClinGen allele CA5377326.